The following is an entry in ClinVar:

ClinVar aggregate classification (germline): Uncertain significance (1 of 4 stars; one submission).

Submission:

Labcorp Genetics (formerly Invitae), Labcorp
Classification: Uncertain significance. Last evaluated: 2021-12-31. Review status: criteria provided, single submitter. Criteria: Invitae Variant Classification Sherloc (09022015). Collection method: clinical testing. Allele origin: germline.
Comment: This sequence change replaces leucine, which is neutral and non-polar, with methionine, which is neutral and non-polar, at codon 944 of the OBSL1 protein (p.Leu944Met). This variant is not present in population databases (gnomAD no frequency). This variant has not been reported in the literature in individuals affected with OBSL1-related conditions. Algorithms developed to predict the effect of missense changes on protein structure and function are either unavailable or do not agree on the potential impact of this missense change (SIFT: "Deleterious"; PolyPhen-2: "Probably Damaging"; Align-GVGD: "Class C0"). In summary, the available evidence is currently insufficient to determine the role of this variant in disease. Therefore, it has been classified as a Variant of Uncertain Significance.

NM_015311.3(OBSL1):c.2830C>A (p.Leu944Met)

Gene: OBSL1 (obscurin like cytoskeletal adaptor 1; minus strand). Cytogenetic location: 2q35.
Variant type: single nucleotide variant.
Coding change: c.2830C>A on transcript NM_015311.3 (MANE Select); coding-DNA position 2830, C replaced by A.
Protein change: p.Leu944Met; replaces leucine 944 with methionine.
Molecular consequence: missense variant.
Genome position (GRCh38, 1-based): chr2:219,562,525, G>T on the plus strand (C>A on the coding strand, the complement: OBSL1 is on the minus strand). VCF-style: chr2-219562525-G-T. GRCh37 (hg19) VCF-style: chr2-220427247-G-T.
Other names: c.2830C>A, p.Leu944Met (NM_001173408.2, NM_001173431.2); short protein forms L944M.
Identifiers: ClinVar variation 2065062 (VCV002065062.4), dbSNP rs2546272741, ClinGen allele CA350744404.
Genomic context (GRCh38, chr2:219,562,525, plus strand): 5'-CCTCGAGCTGGACAGCGGGCAGCACCAGGCGGCGGACAGTGTCTTCCTTCTGCAGGAGCA[G>T]CGCGGGGCTCTCCACCACCTCCTCTCCATCCTTGGTCCAGCGCACCTCTGCCCAGGGCCG-3'
Protein context (NP_056126.1, residues 934-954): DGEEVVESPA[Leu944Met]LLQKEDTVRR